The following is an entry in ClinVar:

ClinVar aggregate classification (germline): Pathogenic. Review status: criteria provided, multiple submitters, no conflicts (2 of 4 stars). 2 submissions from 2 submitters: Pathogenic (2). Last evaluated 2024-06-13.

Submissions (2):

Labcorp Genetics (formerly Invitae), Labcorp
Classification: Pathogenic. Last evaluated: 2024-06-13. Review status: criteria provided, single submitter. Criteria: Invitae Variant Classification Sherloc (09022015). Collection method: clinical testing. Allele origin: germline.
Comment: This sequence change affects an acceptor splice site in intron 10 of the MICU1 gene. It is expected to disrupt RNA splicing. Variants that disrupt the donor or acceptor splice site typically lead to a loss of protein function (PMID: 16199547), and loss-of-function variants in MICU1 are known to be pathogenic (PMID: 24336167). This variant is not present in population databases (gnomAD no frequency). Disruption of this splice site has been observed in individuals with myopathy with extrapyramidal signs (PMID: 24336167, 36344503). ClinVar contains an entry for this variant (Variation ID: 373030). Algorithms developed to predict the effect of sequence changes on RNA splicing suggest that this variant may disrupt the consensus splice site. For these reasons, this variant has been classified as Pathogenic.

GeneDx
Classification: Pathogenic. Last evaluated: 2020-06-16. Review status: criteria provided, single submitter. Criteria: GeneDx Variant Classification Process June 2021. Collection method: clinical testing. Allele origin: germline. Affected: yes.
Comment: Canonical splice site variant predicted to result in a null allele in a gene for which loss-of-function is a known mechanism of disease; Not observed in large population cohorts (Lek et al., 2016); Has not been previously published as pathogenic or benign to our knowledge

Literature cited by the submitters: PubMed 16199547 (cited by Labcorp Genetics (formerly Invitae), Labcorp); PubMed 24336167 (cited by Labcorp Genetics (formerly Invitae), Labcorp); PubMed 36344503 (cited by Labcorp Genetics (formerly Invitae), Labcorp).

NM_001195518.2(MICU1):c.1072-1G>A

Gene: MICU1 (mitochondrial calcium uptake 1; minus strand). Cytogenetic location: 10q22.1.
Variant type: single nucleotide variant.
Coding change: c.1072-1G>A on transcript NM_001195518.2 (MANE Select); the canonical splice acceptor site of the intron before coding-DNA position 1072, G replaced by A.
Molecular consequence: splice acceptor variant.
Genome position (GRCh38, 1-based): chr10:72,408,038, C>T on the plus strand (G>A on the coding strand, the complement: MICU1 is on the minus strand). VCF-style: chr10-72408038-C-T. GRCh37 (hg19) VCF-style: chr10-74167796-C-T.
Other names: c.1078-1G>A (NM_006077.4); c.1090-1G>A (NM_001363513.2); c.478-1G>A (NM_001195519.2).
Identifiers: ClinVar variation 373030 (VCV000373030.5), dbSNP rs754639936, ClinGen allele CA16042709.